The following is an entry in ClinVar:

NM_004456.5(EZH2):c.623A>G (p.Asp208Gly)

Gene: EZH2 (enhancer of zeste 2 polycomb repressive complex 2 subunit; minus strand). Cytogenetic location: 7q36.1.
Variant type: single nucleotide variant.
Coding change: c.623A>G on transcript NM_004456.5 (MANE Select); coding-DNA position 623, A replaced by G.
Protein change: p.Asp208Gly; replaces aspartic acid 208 with glycine.
Molecular consequence: missense variant.
Genome position (GRCh38, 1-based): chr7:148,828,742, T>C on the plus strand (A>G on the coding strand, the complement: EZH2 is on the minus strand). VCF-style: chr7-148828742-T-C. GRCh37 (hg19) VCF-style: chr7-148525834-T-C.
Other names: c.623A>G, p.Asp208Gly (NM_001203247.2); c.596A>G, p.Asp199Gly (NM_001203248.2, NM_001203249.2); c.506A>G, p.Asp169Gly (NM_152998.3); short protein forms D199G, D208G, D169G.
Identifiers: ClinVar variation 642027 (VCV000642027.11), dbSNP rs61753264, ClinGen allele CA4548090.

ClinVar aggregate classification (germline): Uncertain significance. Review status: criteria provided, multiple submitters, no conflicts (2 of 4 stars). 2 submissions from 2 submitters: Uncertain significance (2). Last evaluated 2025-10-15.

Conditions:
Weaver syndrome (WVS). Also called: Weaver Smith syndrome; Overgrowth syndrome with accelerated skeletal maturation, unusual facies, and camptodactyly. Identifiers: Orphanet 3447, MedGen C0265210, MONDO:0010193, OMIM 277590.

Allele frequency attached by ClinVar (database versions not stated): ExAC 0.00004; gnomAD exomes 0.00003 and 0.00006; ESP Exome Variant Server 0.00015; gnomAD 0.00001.
gnomAD v4.1: 91 of 1,612,882 alleles (0.0056%); highest among the groups gnomAD compares: Non-Finnish European, 0.0075%; no homozygotes.

Submissions (2):

Labcorp Genetics (formerly Invitae), Labcorp
Classification: Uncertain significance for Weaver syndrome. Last evaluated: 2025-10-15. Review status: criteria provided, single submitter. Criteria: Invitae Variant Classification Sherloc (09022015). Collection method: clinical testing. Allele origin: germline.
Comment: This sequence change replaces aspartic acid, which is acidic and polar, with glycine, which is neutral and non-polar, at codon 208 of the EZH2 protein (p.Asp208Gly). This variant is present in population databases (rs61753264, gnomAD 0.007%). This variant has not been reported in the literature in individuals affected with EZH2-related conditions. ClinVar contains an entry for this variant (Variation ID: 642027). An algorithm developed to predict the effect of missense changes on protein structure and function (PolyPhen-2) suggests that this variant is likely to be tolerated. Algorithms developed to predict the effect of sequence changes on RNA splicing suggest that this variant may create or strengthen a splice site. In summary, the available evidence is currently insufficient to determine the role of this variant in disease. Therefore, it has been classified as a Variant of Uncertain Significance.

Dasa
Classification: Uncertain significance. Last evaluated: 2025-02-28. Review status: criteria provided, single submitter. Criteria: DASA Assertion Criteria. Collection method: clinical testing. Allele origin: germline.
Comment: NM_004456.5(EZH2):c.623A>G (p.Asp208Gly) is a missense variant that results in the substitution of aspartic acid with glycine. This variant is rare in population databases. Computational prediction algorithms are consistent with a deleterious effect. The currently available literature and clinical evidence are not sufficient to establish a definitive association between this variant and the reported condition. Therefore, this variant is classified as a variant of uncertain significance.